The following is an entry in ClinVar:

NM_000051.4(ATM):c.5473C>T (p.Gln1825Ter)

Gene: ATM (ATM serine/threonine kinase; plus strand). Cytogenetic location: 11q22.3.
Variant type: single nucleotide variant.
Coding change: c.5473C>T on transcript NM_000051.4 (MANE Select); coding-DNA position 5473, C replaced by T.
Protein change: p.Gln1825Ter; replaces glutamine 1825 with a stop codon.
Molecular consequence: nonsense.
Genome position (GRCh38, 1-based): chr11:108,303,006, C>T. VCF-style: chr11-108303006-C-T. GRCh37 (hg19) VCF-style: chr11-108173733-C-T.
Other names: c.5473C>T, p.Gln1825Ter (NM_001351834.2); short protein forms Q1825*.
Identifiers: ClinVar variation 959415 (VCV000959415.10), dbSNP rs1555106553, ClinGen allele CA382544405.

ClinVar aggregate classification (germline): Pathogenic. Review status: criteria provided, multiple submitters, no conflicts (2 of 4 stars). 4 submissions from 4 submitters: Pathogenic (4). Last evaluated 2026-01-05.

Conditions:
Familial cancer of breast. Also called: Hereditary breast cancer; BREAST CANCER, FAMILIAL; hereditary breast carcinoma. Identifiers: Orphanet 227535, MedGen C0346153, MONDO:0016419, OMIM 114480. Disease mechanism: loss of function.
Hereditary cancer-predisposing syndrome. Also called: Hereditary neoplastic syndrome; Tumor predisposition; Neoplastic Syndromes, Hereditary; Hereditary Cancer Syndrome. Identifiers: Orphanet 140162, MedGen C0027672, MeSH D009386, MONDO:0015356.
Ataxia-telangiectasia syndrome (AT). Also called: AT, COMPLEMENTATION GROUP C; Ataxia telangiectasia (A-T); Cerebello-oculocutaneous telangiectasia; Immunodeficiency with ataxia telangiectasia; LOUIS-BAR SYNDROME; Ataxia-telangiectasia. Identifiers: Orphanet 100, MedGen C0004135, MONDO:0008840, OMIM 208900.

gnomAD v4.1: 1 of 1,612,946 alleles (0.000062%); highest among the groups gnomAD compares: Non-Finnish European, 0.000085%; no homozygotes.

Submissions (4):

Natera, Inc.
Classification: Pathogenic for Ataxia-telangiectasia. Last evaluated: 2026-01-05. Review status: criteria provided, single submitter. Criteria: Natera Variant Classification Schema (03/2026). Collection method: clinical testing. Allele origin: germline.
Comment: The c.5473C>T variant in ATM is a nonsense variant predicted to introduce a stop codon at amino acid 1825. This variant is expected to result in nonsense mediated decay, truncation, or a dysfunctional protein product. This variant is rare in the general population with a frequency below the threshold expected for the associated phenotype(s). This variant has been observed in one or more individuals affected with the associated recessive disease, as either homozygous or compound heterozygous with a second variant (PMID: 38917355). Given the available evidence, this variant is classified as Pathogenic.

Ambry Genetics
Classification: Pathogenic for Hereditary cancer-predisposing syndrome. Last evaluated: 2024-04-08. Review status: criteria provided, single submitter. Criteria: Ambry Variant Classification Scheme 2023. Collection method: clinical testing. Allele origin: germline.
Comment: The p.Q1825* variant (also known as c.5473C>T), located in coding exon 35 of the ATM gene, results from a C to T substitution at nucleotide position 5473. This changes the amino acid from a glutamine to a stop codon within coding exon 35. This alteration is expected to result in loss of function by premature protein truncation or nonsense-mediated mRNA decay. As such, this alteration is interpreted as a disease-causing mutation.

Myriad Genetics, Inc.
Classification: Pathogenic for Familial cancer of breast. Last evaluated: 2024-01-25. Review status: criteria provided, single submitter. Criteria: Myriad Autosomal Dominant, Autosomal Recessive and X-Linked Classification Criteria (2023). Collection method: clinical testing. Allele origin: unknown.
Comment: This variant is considered pathogenic. This variant creates a termination codon and is predicted to result in premature protein truncation.

Labcorp Genetics (formerly Invitae), Labcorp
Classification: Pathogenic for Ataxia-telangiectasia syndrome. Last evaluated: 2020-08-15. Review status: criteria provided, single submitter. Criteria: Invitae Variant Classification Sherloc (09022015). Collection method: clinical testing. Allele origin: germline.
Comment: This sequence change creates a premature translational stop signal (p.Gln1825*) in the ATM gene. It is expected to result in an absent or disrupted protein product. This variant is not present in population databases (ExAC no frequency). This variant has not been reported in the literature in individuals with ATM-related conditions. ClinVar contains an entry for this variant (Variation ID: 959415). Loss-of-function variants in ATM are known to be pathogenic (PMID: 23807571, 25614872). For these reasons, this variant has been classified as Pathogenic.

Literature cited by the submitters: PubMed 38917355 (cited by Natera, Inc.); PubMed 23807571 (cited by Labcorp Genetics (formerly Invitae), Labcorp); PubMed 25614872 (cited by Labcorp Genetics (formerly Invitae), Labcorp).